The following is an entry in ClinVar:

NM_000214.3(JAG1):c.3544G>A (p.Glu1182Lys)

Gene: JAG1 (jagged canonical Notch ligand 1; minus strand). Cytogenetic location: 20p12.2.
Variant type: single nucleotide variant.
Coding change: c.3544G>A on transcript NM_000214.3 (MANE Select); coding-DNA position 3544, G replaced by A.
Protein change: p.Glu1182Lys; replaces glutamic acid 1182 with lysine.
Molecular consequence: missense variant.
Genome position (GRCh38, 1-based): chr20:10,639,611, C>T on the plus strand (G>A on the coding strand, the complement: JAG1 is on the minus strand). VCF-style: chr20-10639611-C-T. GRCh37 (hg19) VCF-style: chr20-10620259-C-T.
Other names: short protein forms E1182K.
Identifiers: ClinVar variation 1420867 (VCV001420867.7), dbSNP rs1479790705, ClinGen allele CA408242576.
Genomic context (GRCh38, chr20:10,639,611, plus strand): 5'-TGTCCTGTTTGTTTGTCCAGTTTGGGTGTTTTGTCGGCGTGCCGTTGGGGGGCTTCTCTT[C>T]TCTGTCTACCAGCGTGTACGCCGGCTGCTTGGCAAACCGGGCTTTCTGCTGGTGTTTGTC-3'
Protein context (NP_000205.1, residues 1172-1192): KQPAYTLVDR[Glu1182Lys]EKPPNGTPTK

ClinVar aggregate classification (germline): Uncertain significance. Review status: criteria provided, multiple submitters, no conflicts (2 of 4 stars). 2 submissions from 2 submitters: Uncertain significance (2). Last evaluated 2022-02-25.

Conditions:
Alagille syndrome due to a JAG1 point mutation. Also called: Alagille Syndrome 1; JAG1-Related Alagille Syndrome; HEPATIC DUCTULAR HYPOPLASIA, SYNDROMATIC. Identifiers: Orphanet 261619, Orphanet 52, MedGen C1956125, MONDO:0016862, OMIM 118450.

Allele frequency attached by ClinVar (database versions not stated): TOPMed below 0.00001; gnomAD exomes 0.00001.
gnomAD v4.1: 9 of 1,614,224 alleles (0.00056%); highest among the groups gnomAD compares: Non-Finnish European, 0.00076%; no homozygotes.

Submissions (2):

Labcorp Genetics (formerly Invitae), Labcorp
Classification: Uncertain significance for Alagille syndrome due to a JAG1 point mutation. Last evaluated: 2022-02-25. Review status: criteria provided, single submitter. Criteria: Invitae Variant Classification Sherloc (09022015). Collection method: clinical testing. Allele origin: germline.
Comment: This sequence change replaces glutamic acid, which is acidic and polar, with lysine, which is basic and polar, at codon 1182 of the JAG1 protein (p.Glu1182Lys). This variant is not present in population databases (gnomAD no frequency). This variant has not been reported in the literature in individuals affected with JAG1-related conditions. Advanced modeling of protein sequence and biophysical properties (such as structural, functional, and spatial information, amino acid conservation, physicochemical variation, residue mobility, and thermodynamic stability) performed at Invitae indicates that this missense variant is not expected to disrupt JAG1 protein function. In summary, the available evidence is currently insufficient to determine the role of this variant in disease. Therefore, it has been classified as a Variant of Uncertain Significance.

Blueprint Genetics
Classification: Uncertain significance. Last evaluated: 2021-09-16. Review status: criteria provided, single submitter. Criteria: ACMG Guidelines, 2015. Collection method: clinical testing. Allele origin: germline.